The following is an entry in ClinVar:

ClinVar aggregate classification (germline): Pathogenic (1 of 4 stars; one submission).

Conditions:
Multiple congenital anomalies-hypotonia-seizures syndrome 1 (MCAHS1). Also called: PIGN-CDG; Congenital disorder of glycosylation due to PIGN deficiency; GLYCOSYLPHOSPHATIDYLINOSITOL BIOSYNTHESIS DEFECT 3. Identifiers: Orphanet 280633, MedGen C3279775, MONDO:0013563, OMIM 614080.

Submission:

Institute for Genomic Statistics and Bioinformatics, University Hospital Bonn
Classification: Pathogenic for Multiple congenital anomalies-hypotonia-seizures syndrome 1. Review status: criteria provided, single submitter. Criteria: ACMG Guidelines, 2015. Collection method: clinical testing. Allele origin: germline. Inheritance: Autosomal recessive inheritance. Affected: yes. Observed: 1 variant allele, 1 compound heterozygote.
Comment: The paternally inherited missense mutation is due to the substitution of an evolutionarily highly conserved amino acid glycine at position 554 to arginine by bioinformatic prediction programs (polyphen, MutationTaster, UMD-Predictor) and has a high CADD score (25.8). Therefore, it seems likely that this missense mutation leads to protein instability. PIGN encodes ethanolamine transferase I, which transfers an ethanolamine phosphate to the first mannose of the GPI (glycosylphosphatidylinositol) anchor. In several cases have been described in the literature with patents showing similar phenotypic phenotypic features have been described.

NM_176787.5(PIGN):c.1660G>A (p.Gly554Arg)

Gene: PIGN (phosphatidylinositol glycan anchor biosynthesis class N; minus strand). Cytogenetic location: 18q21.33.
Variant type: single nucleotide variant.
Coding change: c.1660G>A on transcript NM_176787.5 (MANE Select); coding-DNA position 1660, G replaced by A.
Protein change: p.Gly554Arg; replaces glycine 554 with arginine.
Molecular consequence: missense variant.
Genome position (GRCh38, 1-based): chr18:62,107,000, C>T on the plus strand (G>A on the coding strand, the complement: PIGN is on the minus strand). VCF-style: chr18-62107000-C-T. GRCh37 (hg19) VCF-style: chr18-59774233-C-T.
Other names: c.1660G>A, p.Gly554Arg (NM_012327.6); short protein forms G554R.
Identifiers: ClinVar variation 1027678 (VCV001027678.1), dbSNP rs747283967, ClinGen allele CA8982226.